The following is an entry in ClinVar:

NM_183235.3(RAB27A):c.239+4T>G

Gene: RAB27A (RAB27A, member RAS oncogene family; minus strand). Cytogenetic location: 15q21.3.
Variant type: single nucleotide variant.
Coding change: c.239+4T>G on transcript NM_183235.3 (MANE Select); 4 bases into the intron after coding-DNA position 239, T replaced by G.
Molecular consequence: intron variant.
Genome position (GRCh38, 1-based): chr15:55,230,397, A>C on the plus strand (T>G on the coding strand, the complement: RAB27A is on the minus strand). VCF-style: chr15-55230397-A-C. GRCh37 (hg19) VCF-style: chr15-55522595-A-C.
Other names: c.239+4T>G (NM_001438970.1, NM_001438977.1, NM_001438975.1 and 11 more transcripts).
Identifiers: ClinVar variation 2723173 (VCV002723173.3), dbSNP rs370905135, ClinGen allele CA7573656.

ClinVar aggregate classification (germline): Uncertain significance (1 of 4 stars; one submission).

Conditions:
Griscelli syndrome type 2 (GS2). Also called: GRISCELLI SYNDROME WITH HEMOPHAGOCYTIC SYNDROME; PAID SYNDROME; PARTIAL ALBINISM AND IMMUNODEFICIENCY SYNDROME. Identifiers: Orphanet 381, Orphanet 79477, MedGen C1868679, MONDO:0011872, OMIM 607624.

Allele frequency attached by ClinVar (database versions not stated): TOPMed below 0.00001; ExAC 0.00001; ESP Exome Variant Server 0.00008.

Submission:

Labcorp Genetics (formerly Invitae), Labcorp
Classification: Uncertain significance for Griscelli syndrome type 2. Last evaluated: 2023-01-23. Review status: criteria provided, single submitter. Criteria: Invitae Variant Classification Sherloc (09022015). Collection method: clinical testing. Allele origin: germline.
Comment: Variants that disrupt the consensus splice site are a relatively common cause of aberrant splicing (PMID: 17576681, 9536098). Algorithms developed to predict the effect of sequence changes on RNA splicing suggest that this variant is not likely to affect RNA splicing. In summary, the available evidence is currently insufficient to determine the role of this variant in disease. Therefore, it has been classified as a Variant of Uncertain Significance. This variant has not been reported in the literature in individuals affected with RAB27A-related conditions. This variant is present in population databases (rs370905135, gnomAD 0.0009%). This sequence change falls in intron 3 of the RAB27A gene. It does not directly change the encoded amino acid sequence of the RAB27A protein. It affects a nucleotide within the consensus splice site.

Literature cited by the submitters: PubMed 17576681; PubMed 9536098.